The following is an entry in ClinVar:

NM_181426.2(CCDC39):c.2404C>T (p.Gln802Ter)

Genes: TTC14 (tetratricopeptide repeat domain 14; plus strand), CCDC39 (coiled-coil domain 39 molecular ruler complex subunit; minus strand). Cytogenetic location: 3q26.33.
Variant type: single nucleotide variant.
Coding change: c.2404C>T on transcript NM_181426.2 (MANE Select); coding-DNA position 2404, C replaced by T.
Protein change: p.Gln802Ter; replaces glutamine 802 with a stop codon.
Molecular consequence: nonsense. On other transcripts: intron variant (1).
Genome position (GRCh38, 1-based): chr3:180,616,828, G>A on the plus strand (C>T on the coding strand, the complement: CCDC39 is on the minus strand). VCF-style: chr3-180616828-G-A. GRCh37 (hg19) VCF-style: chr3-180334616-G-A.
Other names: c.1775-552G>A (NM_001288582.2); short protein forms Q802*.
Identifiers: ClinVar variation 3895523 (VCV003895523.1).
Genomic context (GRCh38, chr3:180,616,828, plus strand): 5'-GGATTTGGGACTTCAAAAATGTAAATATGAAAGGTCAGTTTTTAAAAGATATCGATACCT[G>A]TTTGGTCACTCTTTCTAATTTTGGCTTCTGCTCCTCCGTTTCTTTACTTAGTTGAAATGA-3'

ClinVar aggregate classification (germline): Likely pathogenic (1 of 4 stars; one submission).

Conditions:
Primary ciliary dyskinesia 14. Also called: CILIARY DYSKINESIA, PRIMARY, 14, WITH OR WITHOUT SITUS INVERSUS. Identifiers: Orphanet 244, MedGen C3151136, MONDO:0013434, OMIM 613807.

Submission:

Neuberg Centre For Genomic Medicine, NCGM
Classification: Likely pathogenic for Primary ciliary dyskinesia 14. Last evaluated: 2024-02-01. Review status: criteria provided, single submitter. Criteria: ACMG Guidelines, 2015. Collection method: clinical testing. Allele origin: germline. Inheritance: Autosomal recessive inheritance. Affected: yes.
Comment: The above variant has not been reported previously as a pathogenic variant nor as a benign variant, to our knowledge. This variant is predicted to cause loss of normal protein function through protein truncation. Loss of function variants in CCDC39 gene have been previously reported to be disease causing (Chen D, et al., 2021). For these reasons, this variant has been classified as Likely Pathogenic.